The following is an entry in ClinVar:

NM_020191.4(MRPS22):c.712G>C (p.Asp238His)

Gene: MRPS22 (mitochondrial ribosomal protein S22; plus strand). Cytogenetic location: 3q23.
Variant type: single nucleotide variant.
Coding change: c.712G>C on transcript NM_020191.4 (MANE Select); coding-DNA position 712, G replaced by C.
Protein change: p.Asp238His; replaces aspartic acid 238 with histidine.
Molecular consequence: missense variant.
Genome position (GRCh38, 1-based): chr3:139,351,040, G>C. VCF-style: chr3-139351040-G-C. GRCh37 (hg19) VCF-style: chr3-139069882-G-C.
Other names: c.589G>C, p.Asp197His (NM_001363857.1); c.709G>C, p.Asp237His (NM_001363893.1); short protein forms D238H, D237H, D197H.
Identifiers: ClinVar variation 2798449 (VCV002798449.3), dbSNP rs1941142337, ClinGen allele CA354762523.

ClinVar aggregate classification (germline): Uncertain significance (1 of 4 stars; one submission).

gnomAD v4.1: 4 of 1,613,950 alleles (0.00025%); highest among the groups gnomAD compares: Non-Finnish European, 0.00025%; no homozygotes.

Submission:

Labcorp Genetics (formerly Invitae), Labcorp
Classification: Uncertain significance. Last evaluated: 2023-06-29. Review status: criteria provided, single submitter. Criteria: Invitae Variant Classification Sherloc (09022015). Collection method: clinical testing. Allele origin: germline.
Comment: Advanced modeling of protein sequence and biophysical properties (such as structural, functional, and spatial information, amino acid conservation, physicochemical variation, residue mobility, and thermodynamic stability) performed at Invitae indicates that this missense variant is expected to disrupt MRPS22 protein function. In summary, the available evidence is currently insufficient to determine the role of this variant in disease. Therefore, it has been classified as a Variant of Uncertain Significance. This variant has not been reported in the literature in individuals affected with MRPS22-related conditions. This variant is not present in population databases (gnomAD no frequency). This sequence change replaces aspartic acid, which is acidic and polar, with histidine, which is basic and polar, at codon 238 of the MRPS22 protein (p.Asp238His).